The following is an entry in ClinVar:

ClinVar aggregate classification (germline): Uncertain significance (1 of 4 stars; one submission).

Conditions:
Megalencephaly-polymicrogyria-postaxial polydactyly-hydrocephalus syndrome. Also called: MEG-PMG-MEGACC SYNDROME; MPPH Syndrome. Identifiers: Orphanet 83473, MedGen C1863924, MONDO:0019375.

Submission:

Labcorp Genetics (formerly Invitae), Labcorp
Classification: Uncertain significance for Megalencephaly-polymicrogyria-postaxial polydactyly-hydrocephalus syndrome. Last evaluated: 2023-06-03. Review status: criteria provided, single submitter. Criteria: Invitae Variant Classification Sherloc (09022015). Collection method: clinical testing. Allele origin: germline.
Comment: In summary, the available evidence is currently insufficient to determine the role of this variant in disease. Therefore, it has been classified as a Variant of Uncertain Significance. This variant has not been reported in the literature in individuals affected with PIK3R2-related conditions. This variant is not present in population databases (gnomAD no frequency). This variant, c.783_785dup, results in the insertion of 1 amino acid(s) of the PIK3R2 protein (p.Ser263dup), but otherwise preserves the integrity of the reading frame.

NM_005027.4(PIK3R2):c.783_785dup (p.Ser263_Pro264insSer)

Genes: PIK3R2 (phosphoinositide-3-kinase regulatory subunit 2; plus strand), LOC130063979 (ATAC-STARR-seq lymphoblastoid silent region 10375; plus strand). Cytogenetic location: 19p13.11.
Variant type: Duplication.
Coding change: c.783_785dup on transcript NM_005027.4 (MANE Select); coding-DNA positions 783 to 785, 3 bases duplicated (GTC; older notation c.783_785dupGTC).
Protein change: p.Ser263_Pro264insSer.
Molecular consequence: inframe insertion. On other transcripts: non-coding transcript variant (1).
Genome position (GRCh38, 1-based): chr19:18,161,463-18,161,465, GTC duplicated; duplicating any 3 consecutive bases within chr19:18,161,462-18,161,465 gives the same sequence; the c. name uses the placement nearest the transcript's 3' end. VCF-style (leftmost placement, unchanged base first): chr19-18161461-C-CCGT. GRCh37 (hg19) VCF-style: chr19-18272271-C-CCGT.
Identifiers: ClinVar variation 2958757 (VCV002958757.3), dbSNP rs2043745476, ClinGen allele CA2326214075.